The following is an entry in ClinVar:

NM_006230.4(POLD2):c.703G>A (p.Ala235Thr)

Gene: POLD2 (DNA polymerase delta 2, accessory subunit; minus strand). Cytogenetic location: 7p13.
Variant type: single nucleotide variant.
Coding change: c.703G>A on transcript NM_006230.4 (MANE Select); coding-DNA position 703, G replaced by A.
Protein change: p.Ala235Thr; replaces alanine 235 with threonine.
Molecular consequence: missense variant.
Genome position (GRCh38, 1-based): chr7:44,116,894, C>T on the plus strand (G>A on the coding strand, the complement: POLD2 is on the minus strand). VCF-style: chr7-44116894-C-T. GRCh37 (hg19) VCF-style: chr7-44156493-C-T.
Other names: c.703G>A, p.Ala235Thr (NM_001127218.3, NM_001256879.2); short protein forms A235T.
Identifiers: ClinVar variation 2170819 (VCV002170819.4), dbSNP rs757199010, ClinGen allele CA4238761.

ClinVar aggregate classification (germline): Uncertain significance (1 of 4 stars; one submission).

Allele frequency attached by ClinVar (database versions not stated): gnomAD 0.00001; gnomAD exomes 0.00004; TOPMed 0.00004; ExAC 0.00006.
gnomAD v4.1: 53 of 1,613,838 alleles (0.0033%); highest among the groups gnomAD compares: Middle Eastern, 0.017%; no homozygotes.

Submission:

Labcorp Genetics (formerly Invitae), Labcorp
Classification: Uncertain significance. Last evaluated: 2025-08-18. Review status: criteria provided, single submitter. Criteria: Invitae Variant Classification Sherloc (09022015). Collection method: clinical testing. Allele origin: germline.
Comment: This sequence change replaces alanine, which is neutral and non-polar, with threonine, which is neutral and polar, at codon 270 of the POLD2 protein (p.Ala270Thr). This variant is present in population databases (rs757199010, gnomAD 0.02%). This variant has not been reported in the literature in individuals affected with POLD2-related conditions. ClinVar contains an entry for this variant (Variation ID: 2170819). Experimental studies and prediction algorithms are not available or were not evaluated, and the functional significance of this variant is currently unknown. In summary, the available evidence is currently insufficient to determine the role of this variant in disease. Therefore, it has been classified as a Variant of Uncertain Significance.